The following is an entry in ClinVar:

ClinVar aggregate classification (germline): Uncertain significance. Review status: criteria provided, multiple submitters, no conflicts (2 of 4 stars). 3 submissions from 3 submitters: Uncertain significance (3). Last evaluated 2024-02-23.

Conditions:
Pigmentary retinal dystrophy. Also called: Fundus albipunctatus. Identifiers: Orphanet 227796, Orphanet 52427, MedGen C0311338, MONDO:0007639, OMIM 136880, HP:0030642.

Allele frequency attached by ClinVar (database versions not stated): gnomAD 0.00002 and 0.00003; gnomAD exomes 0.00002 and 0.00005; TOPMed 0.00003; ExAC 0.00006.
gnomAD v4.1: 51 of 1,613,432 alleles (0.0032%); highest among the groups gnomAD compares: East Asian, 0.025%; no homozygotes.

Submissions (3):

Labcorp Genetics (formerly Invitae), Labcorp
Classification: Uncertain significance. Last evaluated: 2024-02-23. Review status: criteria provided, single submitter. Criteria: Invitae Variant Classification Sherloc (09022015). Collection method: clinical testing. Allele origin: germline.
Comment: This sequence change replaces arginine, which is basic and polar, with glutamine, which is neutral and polar, at codon 228 of the RDH5 protein (p.Arg228Gln). This variant is present in population databases (rs571658392, gnomAD 0.05%). This variant has not been reported in the literature in individuals affected with RDH5-related conditions. ClinVar contains an entry for this variant (Variation ID: 882945). Advanced modeling of protein sequence and biophysical properties (such as structural, functional, and spatial information, amino acid conservation, physicochemical variation, residue mobility, and thermodynamic stability) performed at Invitae indicates that this missense variant is not expected to disrupt RDH5 protein function with a negative predictive value of 80%. In summary, the available evidence is currently insufficient to determine the role of this variant in disease. Therefore, it has been classified as a Variant of Uncertain Significance.

Illumina Laboratory Services, Illumina
Classification: Uncertain significance for Pigmentary retinal dystrophy. Last evaluated: 2018-01-12. Review status: criteria provided, single submitter. Criteria: ICSL Variant Classification Criteria 13 December 2019. Collection method: clinical testing. Allele origin: germline.

Juno Genomics, Hangzhou Juno Genomics, Inc
Classification: Uncertain significance for Pigmentary retinal dystrophy. Review status: criteria provided, single submitter. Criteria: ACMG Guidelines, 2015. Collection method: clinical testing. Allele origin: germline.
Comment: Absent from controls (or at extremely low frequency if recessive) in Genome Aggregation Database.;For recessive disorders, detected in trans with a pathogenic variant.;Patient's phenotype or family history is highly specific for a disease with a single genetic etiology.;Co-segregation with disease in multiple affected family members.;Observed in trans with a pathogenic variant for a fully penetrant dominant gene.

NM_002905.5(RDH5):c.683G>A (p.Arg228Gln)

Genes: BLOC1S1-RDH5 (BLOC1S1-RDH5 readthrough; plus strand), CD63 (CD63 molecule; minus strand), RDH5 (retinol dehydrogenase 5; plus strand). Cytogenetic location: 12q13.2.
Variant type: single nucleotide variant.
Coding change: c.683G>A on transcript NM_002905.5 (MANE Select); coding-DNA position 683, G replaced by A.
Protein change: p.Arg228Gln; replaces arginine 228 with glutamine.
Molecular consequence: missense variant. On other transcripts: non-coding transcript variant (1).
Genome position (GRCh38, 1-based): chr12:55,723,999, G>A. VCF-style: chr12-55723999-G-A. GRCh37 (hg19) VCF-style: chr12-56117783-G-A.
Other names: c.683G>A, p.Arg228Gln (NM_001199771.3); short protein forms R228Q.
Identifiers: ClinVar variation 882945 (VCV000882945.12), dbSNP rs571658392, ClinGen allele CA6616909.
Genomic context (GRCh38, chr12:55,723,999, plus strand): 5'-TCCGAACCCCTGTGACCAACCTGGAGAGTCTGGAGAAAACCCTGCAGGCCTGCTGGGCAC[G>A]GCTGCCTCCTGCCACACAGGCCCACTATGGGGGGGCCTTCCTCACCAAGTGTGAGTAGCC-3'
Protein context (NP_002896.2, residues 218-238): LEKTLQACWA[Arg228Gln]LPPATQAHYG